The following is an entry in ClinVar:

NM_000170.3(GLDC):c.2277C>T (p.Pro759=)

Gene: GLDC (glycine decarboxylase; minus strand). Cytogenetic location: 9p24.1.
Variant type: single nucleotide variant.
Coding change: c.2277C>T on transcript NM_000170.3 (MANE Select); coding-DNA position 2277, C replaced by T.
Protein change: p.Pro759=; no amino-acid change (proline 759 retained).
Molecular consequence: synonymous variant.
Genome position (GRCh38, 1-based): chr9:6,554,707, G>A on the plus strand (C>T on the coding strand, the complement: GLDC is on the minus strand). VCF-style: chr9-6554707-G-A. GRCh37 (hg19) VCF-style: chr9-6554707-G-A.
Other names: c.2277C>T (NM_000170.2).
Identifiers: ClinVar variation 1150740 (VCV001150740.11), dbSNP rs970388208, ClinGen allele CA188650355.

ClinVar aggregate classification (germline): Likely benign. Review status: criteria provided, multiple submitters, no conflicts (2 of 4 stars). 3 submissions from 3 submitters: Likely benign (3). Last evaluated 2026-02-05.

Conditions:
GLDC-related disorder. Also called: GLDC-related condition.
Glycine encephalopathy. Also called: Non-ketotic hyperglycinemia; Nonketotic hyperglycinemia. Identifiers: Orphanet 407, MedGen C0751748, MONDO:0011612, HP:0008288.

Allele frequency attached by ClinVar (database versions not stated): gnomAD exomes below 0.00001; TOPMed below 0.00001.
gnomAD v4.1: 1 of 1,612,656 alleles (0.000062%); highest among the groups gnomAD compares: East Asian, 0.0022%; no homozygotes.

Submissions (3):

PreventionGenetics, part of Exact Sciences
Classification: Likely benign for GLDC-related condition. Last evaluated: 2026-02-05. Review status: criteria provided, single submitter. Criteria: ACMG Guidelines, 2015. Collection method: clinical testing. Allele origin: germline.
Comment: This variant is classified as likely benign based on ACMG/AMP sequence variant interpretation guidelines (Richards et al. 2015 PMID: 25741868, with internal and published modifications).

Labcorp Genetics (formerly Invitae), Labcorp
Classification: Likely benign for Glycine encephalopathy. Last evaluated: 2024-11-10. Review status: criteria provided, single submitter. Criteria: Invitae Variant Classification Sherloc (09022015). Collection method: clinical testing. Allele origin: germline.

Breakthrough Genomics
Classification: Likely benign. Review status: criteria provided, single submitter. Criteria: ACMG Guidelines, 2015. Collection method: not provided. Allele origin: germline. Inheritance: Autosomal recessive inheritance. Affected: yes.